The following is an entry in ClinVar:

ClinVar aggregate classification (germline): Uncertain significance (1 of 4 stars; one submission).

Submission:

GeneDx
Classification: Uncertain significance. Last evaluated: 2025-03-06. Review status: criteria provided, single submitter. Criteria: GeneDx Variant Classification Process June 2021. Collection method: clinical testing. Allele origin: germline. Affected: yes.
Comment: Not observed at significant frequency in large population cohorts (gnomAD); In silico analysis supports that this missense variant has a deleterious effect on protein structure/function; In silico analysis supports a deleterious effect on splicing; Has not been previously published as pathogenic or benign to our knowledge

NM_002742.3(PRKD1):c.1392G>T (p.Lys464Asn)

Gene: PRKD1 (protein kinase D1; minus strand). Cytogenetic location: 14q12.
Variant type: single nucleotide variant.
Coding change: c.1392G>T on transcript NM_002742.3 (MANE Select); coding-DNA position 1392, G replaced by T.
Protein change: p.Lys464Asn; replaces lysine 464 with asparagine.
Molecular consequence: missense variant.
Genome position (GRCh38, 1-based): chr14:29,632,869, C>A on the plus strand (G>T on the coding strand, the complement: PRKD1 is on the minus strand). VCF-style: chr14-29632869-C-A. GRCh37 (hg19) VCF-style: chr14-30102075-C-A.
Other names: c.1416G>T, p.Lys472Asn (NM_001330069.2); c.1128G>T, p.Lys376Asn (NM_001348390.1); short protein forms K376N, K464N, K472N.
Identifiers: ClinVar variation 4082760 (VCV004082760.1).